The following is an entry in ClinVar:

ClinVar aggregate classification (germline): Pathogenic (1 of 4 stars; one submission).

Submission:

Athena Diagnostics
Classification: Pathogenic. Last evaluated: 2025-02-21. Review status: criteria provided, single submitter. Criteria: Athena Diagnostics Criteria. Collection method: clinical testing. Allele origin: unknown.
Comment: This variant is expected to result in the loss of a functional protein. This variant has not been reported in large, multi-ethnic general populations. This variant has been identified in at least one individual with clinical features associated with this gene.

NM_182961.4(SYNE1):c.7348C>T (p.Gln2450Ter)

Gene: SYNE1 (spectrin repeat containing nuclear envelope protein 1; minus strand). Cytogenetic location: 6q25.2.
Variant type: single nucleotide variant.
Coding change: c.7348C>T on transcript NM_182961.4 (MANE Select); coding-DNA position 7348, C replaced by T.
Protein change: p.Gln2450Ter; replaces glutamine 2450 with a stop codon.
Molecular consequence: nonsense.
Genome position (GRCh38, 1-based): chr6:152,398,621, G>A on the plus strand (C>T on the coding strand, the complement: SYNE1 is on the minus strand). VCF-style: chr6-152398621-G-A. GRCh37 (hg19) VCF-style: chr6-152719756-G-A.
Other names: c.7369C>T, p.Gln2457Ter (NM_033071.5); short protein forms Q2450*, Q2457*.
Identifiers: ClinVar variation 4682479 (VCV004682479.1).